The following is an entry in ClinVar:

NM_153676.4(USH1C):c.1260+7C>T

Gene: USH1C (USH1 protein network component harmonin; minus strand). Cytogenetic location: 11p15.1.
Variant type: single nucleotide variant.
Coding change: c.1260+7C>T on transcript NM_153676.4 (MANE Select); 7 bases into the intron after coding-DNA position 1260, C replaced by T.
Molecular consequence: intron variant.
Genome position (GRCh38, 1-based): chr11:17,516,234, G>A on the plus strand (C>T on the coding strand, the complement: USH1C is on the minus strand). VCF-style: chr11-17516234-G-A. GRCh37 (hg19) VCF-style: chr11-17537781-G-A.
Other names: c.1227+1167C>T (NM_001297764.2); c.1284+1167C>T (NM_005709.4).
Identifiers: ClinVar variation 514239 (VCV000514239.1), dbSNP rs978889964, ClinGen allele CA218451650.

ClinVar aggregate classification (germline): Likely benign (1 of 4 stars; one submission).

Allele frequency attached by ClinVar (database versions not stated): gnomAD exomes below 0.00001; gnomAD 0.00001 and 0.00002; TOPMed 0.00002.
gnomAD v4.1: 3 of 1,613,572 alleles (0.00019%); highest among the groups gnomAD compares: African/African-American, 0.004%; no homozygotes.

Submission:

GeneDx
Classification: Likely benign. Last evaluated: 2017-12-14. Review status: criteria provided, single submitter. Criteria: GeneDx Variant Classification (06012015). Collection method: clinical testing. Allele origin: germline. Affected: yes.
Comment: This variant is considered likely benign or benign based on one or more of the following criteria: it is a conservative change, it occurs at a poorly conserved position in the protein, it is predicted to be benign by multiple in silico algorithms, and/or has population frequency not consistent with disease.